The following is an entry in ClinVar:

ClinVar aggregate classification (germline): Uncertain significance. Review status: criteria provided, multiple submitters, no conflicts (2 of 4 stars). 2 submissions from 2 submitters: Uncertain significance (2). Last evaluated 2025-09-05.

Conditions:
Peters plus syndrome. Also called: KRAUSE-KIVLIN SYNDROME. Identifiers: Orphanet 709, MedGen C0796012, MONDO:0009856, OMIM 261540.
Inborn genetic diseases. Identifiers: MedGen C0950123, MeSH D030342.

Allele frequency attached by ClinVar (database versions not stated): gnomAD 0.00004 and 0.00006; gnomAD exomes 0.00005; TOPMed 0.00006; ExAC 0.00011.
gnomAD v4.1: 79 of 1,375,972 alleles (0.0057%); highest among the groups gnomAD compares: Non-Finnish European, 0.0073%; no homozygotes.

Submissions (2):

Ambry Genetics
Classification: Uncertain significance for Inborn genetic diseases. Last evaluated: 2025-09-05. Review status: criteria provided, single submitter. Criteria: Ambry Variant Classification Scheme 2023. Collection method: clinical testing. Allele origin: germline.

Labcorp Genetics (formerly Invitae), Labcorp
Classification: Uncertain significance for Peters plus syndrome. Last evaluated: 2023-06-19. Review status: criteria provided, single submitter. Criteria: Invitae Variant Classification Sherloc (09022015). Collection method: clinical testing. Allele origin: germline.
Comment: ClinVar contains an entry for this variant (Variation ID: 1504258). This variant has not been reported in the literature in individuals affected with B3GLCT-related conditions. The frequency data for this variant in the population databases is considered unreliable, as metrics indicate poor data quality at this position in the gnomAD database. This sequence change replaces cysteine, which is neutral and slightly polar, with tyrosine, which is neutral and polar, at codon 6 of the B3GLCT protein (p.Cys6Tyr). Experimental studies and prediction algorithms are not available or were not evaluated, and the functional significance of this variant is currently unknown. In summary, the available evidence is currently insufficient to determine the role of this variant in disease. Therefore, it has been classified as a Variant of Uncertain Significance.

NM_194318.4(B3GLCT):c.17G>A (p.Cys6Tyr)

Genes: B3GLCT (beta 3-glucosyltransferase; plus strand), LOC130009514 (ATAC-STARR-seq lymphoblastoid silent region 5240; plus strand). Cytogenetic location: 13q12.3.
Variant type: single nucleotide variant.
Coding change: c.17G>A on transcript NM_194318.4 (MANE Select); coding-DNA position 17, G replaced by A.
Protein change: p.Cys6Tyr; replaces cysteine 6 with tyrosine.
Molecular consequence: missense variant.
Genome position (GRCh38, 1-based): chr13:31,200,101, G>A. VCF-style: chr13-31200101-G-A. GRCh37 (hg19) VCF-style: chr13-31774238-G-A.
Other names: c.17G>A (NM_194318.3); short protein forms C6Y.
Identifiers: ClinVar variation 1504258 (VCV001504258.7), dbSNP rs759120105, ClinGen allele CA6936405.